The following is an entry in ClinVar:

NM_000142.5(FGFR3):c.1645+4G>C

Gene: FGFR3 (fibroblast growth factor receptor 3; plus strand). Cytogenetic location: 4p16.3.
Variant type: single nucleotide variant.
Coding change: c.1645+4G>C on transcript NM_000142.5 (MANE Select); 4 bases into the intron after coding-DNA position 1645, G replaced by C.
Molecular consequence: intron variant.
Genome position (GRCh38, 1-based): chr4:1,805,673, G>C. VCF-style: chr4-1805673-G-C. GRCh37 (hg19) VCF-style: chr4-1807400-G-C.
Other names: c.1651+4G>C (NM_001163213.2); c.1648+4G>C (NM_001354809.2, NM_001354810.2); c.1309+4G>C (NM_022965.4).
Identifiers: ClinVar variation 435190 (VCV000435190.15), dbSNP rs1367336734, ClinGen allele CA549266754.
Genomic context (GRCh38, chr4:1,805,673, plus strand): 5'-AGATGATCGGGAAACACAAAAACATCATCAACCTGCTGGGCGCCTGCACGCAGGGCGGTA[G>C]GTGCGGTAGCGGCGGTGGTGCCGGCTGGGCGGCCCTCCTGGGCCTGGCAGCCCGTCTGAG-3'

ClinVar aggregate classification (germline): Conflicting classifications of pathogenicity. Review status: criteria provided, conflicting classifications (1 of 4 stars). 2 submissions from 2 submitters: Uncertain significance (1); Likely benign (1). Last evaluated 2025-11-22.

Allele frequency attached by ClinVar (database versions not stated): gnomAD 0.00001; TOPMed 0.00002.
gnomAD v4.1: 12 of 1,612,072 alleles (0.00074%); highest among the groups gnomAD compares: Middle Eastern, 0.016%; no homozygotes.

Submissions (2):

Labcorp Genetics (formerly Invitae), Labcorp
Classification: Uncertain significance. Last evaluated: 2025-11-22. Review status: criteria provided, single submitter. Criteria: Invitae Variant Classification Sherloc (09022015). Collection method: clinical testing. Allele origin: germline.
Comment: This sequence change falls in intron 12 of the FGFR3 gene. It does not directly change the encoded amino acid sequence of the FGFR3 protein. It affects a nucleotide within the consensus splice site. This variant is present in population databases (no rsID available, gnomAD 0.02%). This variant has not been reported in the literature in individuals affected with FGFR3-related conditions. ClinVar contains an entry for this variant (Variation ID: 435190). Variants that disrupt the consensus splice site are a relatively common cause of aberrant splicing (PMID: 17576681, 9536098). Algorithms developed to predict the effect of sequence changes on RNA splicing suggest that this variant is not likely to affect RNA splicing. In summary, the available evidence is currently insufficient to determine the role of this variant in disease. Therefore, it has been classified as a Variant of Uncertain Significance.

Genetic Services Laboratory, University of Chicago
Classification: Likely benign. Last evaluated: 2015-10-26. Review status: criteria provided, single submitter. Criteria: ACMG Guidelines, 2015. Collection method: clinical testing. Allele origin: germline. Affected: no.

Literature cited by the submitters: PubMed 17576681 (cited by Labcorp Genetics (formerly Invitae), Labcorp); PubMed 9536098 (cited by Labcorp Genetics (formerly Invitae), Labcorp).